The following is an entry in ClinVar:

NM_001378454.1(ALMS1):c.142G>C (p.Glu48Gln)

Gene: ALMS1 (ALMS1 centrosome and basal body associated protein; plus strand). Cytogenetic location: 2p13.1.
Variant type: single nucleotide variant.
Coding change: c.142G>C on transcript NM_001378454.1 (MANE Select); coding-DNA position 142, G replaced by C.
Protein change: p.Glu48Gln; replaces glutamic acid 48 with glutamine.
Molecular consequence: missense variant.
Genome position (GRCh38, 1-based): chr2:73,386,010, G>C. VCF-style: chr2-73386010-G-C. GRCh37 (hg19) VCF-style: chr2-73613138-G-C.
Other names: c.145G>C, p.Glu49Gln (NM_015120.4); short protein forms E48Q, E49Q.
Identifiers: ClinVar variation 2079885 (VCV002079885.2), dbSNP rs751415466, ClinGen allele CA347250692.

ClinVar aggregate classification (germline): Uncertain significance (1 of 4 stars; one submission).

Conditions:
Alstrom syndrome (ALMS). Identifiers: Orphanet 64, MedGen C0268425, MONDO:0008763, OMIM 203800.

gnomAD v4.1: 1 of 1,560,560 alleles (0.000064%); highest among the groups gnomAD compares: Non-Finnish European, 0.000087%; no homozygotes.

Submission:

Labcorp Genetics (formerly Invitae), Labcorp
Classification: Uncertain significance for Alstrom syndrome. Last evaluated: 2025-01-06. Review status: criteria provided, single submitter. Criteria: Invitae Variant Classification Sherloc (09022015). Collection method: clinical testing. Allele origin: germline.
Comment: This sequence change replaces glutamic acid with glutamine at codon 49 of the ALMS1 protein (p.Glu49Gln). The glutamic acid residue is moderately conserved and there is a small physicochemical difference between glutamic acid and glutamine. This variant is not present in population databases (gnomAD no frequency). This variant has not been reported in the literature in individuals affected with ALMS1-related conditions. ClinVar contains an entry for this variant (Variation ID: 2079885). Experimental studies and prediction algorithms are not available or were not evaluated, and the functional significance of this variant is currently unknown. In summary, the available evidence is currently insufficient to determine the role of this variant in disease. Therefore, it has been classified as a Variant of Uncertain Significance.